The following is an entry in ClinVar:

NM_025137.4(SPG11):c.1055C>G (p.Ser352Cys)

Gene: SPG11 (SPG11 vesicle trafficking associated, spatacsin; minus strand). Cytogenetic location: 15q21.1.
Variant type: single nucleotide variant.
Coding change: c.1055C>G on transcript NM_025137.4 (MANE Select); coding-DNA position 1055, C replaced by G.
Protein change: p.Ser352Cys; replaces serine 352 with cysteine.
Molecular consequence: missense variant.
Genome position (GRCh38, 1-based): chr15:44,651,892, G>C on the plus strand (C>G on the coding strand, the complement: SPG11 is on the minus strand). VCF-style: chr15-44651892-G-C. GRCh37 (hg19) VCF-style: chr15-44944090-G-C.
Other names: c.1055C>G, p.Ser352Cys (NM_001160227.2); short protein forms S352C.
Identifiers: ClinVar variation 1470449 (VCV001470449.8), dbSNP rs2141107282, ClinGen allele CA392236689.
Genomic context (GRCh38, chr15:44,651,892, plus strand): 5'-GGTGACTCCAAATGCAAAATATCCTGGAACCATGGAGCACAACAGGAAACCTCCAGTTTG[G>C]AGTTCTTTATTGTTTCATTCAATGATGATAGCTGGGCTTTCCAAGACCTGGAAACAAGGT-3'
Protein context (NP_079413.3, residues 342-362): LSSLNETIKN[Ser352Cys]KLEVSCCAPW

ClinVar aggregate classification (germline): Uncertain significance (1 of 4 stars; one submission).

Conditions:
Hereditary spastic paraplegia 11. Also called: Spastic Paraplegia 11; Nakamura Osame syndrome; Autosomal recessive hereditary spastic paraplegia, mental impairment, and thin corpus callosum; SPASTIC PARAPLEGIA, AUTOSOMAL RECESSIVE, COMPLICATED, WITH THIN CORPUS CALLOSUM; SPASTIC PARAPLEGIA, AUTOSOMAL RECESSIVE, WITH MENTAL IMPAIRMENT AND THIN CORPUS CALLOSUM; Spastic paraplegia, mental retardation and thin corpus callosum. Identifiers: Orphanet 2822, MedGen C1858479, MONDO:0011445, OMIM 604360.

Allele frequency attached by ClinVar (database versions not stated): gnomAD exomes below 0.00001.
gnomAD v4.1: 1 of 1,612,936 alleles (0.000062%); highest among the groups gnomAD compares: Non-Finnish European, 0.000085%; no homozygotes.

Submission:

Labcorp Genetics (formerly Invitae), Labcorp
Classification: Uncertain significance for Hereditary spastic paraplegia 11. Last evaluated: 2024-10-17. Review status: criteria provided, single submitter. Criteria: Invitae Variant Classification Sherloc (09022015). Collection method: clinical testing. Allele origin: germline.
Comment: This sequence change replaces serine, which is neutral and polar, with cysteine, which is neutral and slightly polar, at codon 352 of the SPG11 protein (p.Ser352Cys). This variant is not present in population databases (gnomAD no frequency). This variant has not been reported in the literature in individuals affected with SPG11-related conditions. ClinVar contains an entry for this variant (Variation ID: 1470449). Invitae Evidence Modeling of protein sequence and biophysical properties (such as structural, functional, and spatial information, amino acid conservation, physicochemical variation, residue mobility, and thermodynamic stability) indicates that this missense variant is not expected to disrupt SPG11 protein function with a negative predictive value of 80%. In summary, the available evidence is currently insufficient to determine the role of this variant in disease. Therefore, it has been classified as a Variant of Uncertain Significance.